The following is an entry in ClinVar:

NM_022765.4(MICAL1):c.2728C>T (p.Arg910Cys)

Gene: MICAL1 (microtubule associated monooxygenase, calponin and LIM domain containing 1; minus strand). Cytogenetic location: 6q21.
Variant type: single nucleotide variant.
Coding change: c.2728C>T on transcript NM_022765.4 (MANE Select); coding-DNA position 2728, C replaced by T.
Protein change: p.Arg910Cys; replaces arginine 910 with cysteine.
Molecular consequence: missense variant.
Genome position (GRCh38, 1-based): chr6:109,445,475, G>A on the plus strand (C>T on the coding strand, the complement: MICAL1 is on the minus strand). VCF-style: chr6-109445475-G-A. GRCh37 (hg19) VCF-style: chr6-109766678-G-A.
Other names: c.2470C>T, p.Arg824Cys (NM_001159291.2); c.2785C>T, p.Arg929Cys (NM_001286613.2); short protein forms R824C, R910C, R929C.
Identifiers: ClinVar variation 3023760 (VCV003023760.3), dbSNP rs1361369006, ClinGen allele CA365222099.

ClinVar aggregate classification (germline): Uncertain significance (1 of 4 stars; one submission).

Allele frequency attached by ClinVar (database versions not stated): gnomAD exomes below 0.00001; gnomAD 0.00001; TOPMed 0.00001.

Submission:

Labcorp Genetics (formerly Invitae), Labcorp
Classification: Uncertain significance. Last evaluated: 2023-10-29. Review status: criteria provided, single submitter. Criteria: Invitae Variant Classification Sherloc (09022015). Collection method: clinical testing. Allele origin: germline.
Comment: This sequence change replaces arginine, which is basic and polar, with cysteine, which is neutral and slightly polar, at codon 929 of the MICAL1 protein (p.Arg929Cys). This variant is present in population databases (no rsID available, gnomAD 0.005%). This variant has not been reported in the literature in individuals affected with MICAL1-related conditions. An algorithm developed to predict the effect of missense changes on protein structure and function (PolyPhen-2) suggests that this variant is likely to be tolerated. In summary, the available evidence is currently insufficient to determine the role of this variant in disease. Therefore, it has been classified as a Variant of Uncertain Significance.